The following is an entry in ClinVar:

ClinVar aggregate classification (germline): Conflicting classifications of pathogenicity. Review status: criteria provided, conflicting classifications (1 of 4 stars). 5 submissions from 5 submitters: Uncertain significance (3); Likely benign (1). 1 of the submissions does not count toward it. Last evaluated 2022-08-31.

Conditions:
Citrullinemia. Identifiers: Orphanet 187, MedGen C0175683, MONDO:0015991.
Citrullinemia type I (CTNL1). Also called: argininosuccinate synthetase deficiency; ASS DEFICIENCY. Identifiers: Orphanet 247525, MedGen C4721769, MONDO:0008988, OMIM 215700.
Inborn genetic diseases. Identifiers: MedGen C0950123, MeSH D030342.

Allele frequency attached by ClinVar (database versions not stated): ESP Exome Variant Server 0.00008; 1000 Genomes Project 30x 0.00016; gnomAD exomes 0.00016 and 0.00022; TOPMed 0.00016; ExAC 0.00017; 1000 Genomes Project 0.00020.
gnomAD v4.1: 345 of 1,613,390 alleles (0.021%); highest among the groups gnomAD compares: Non-Finnish European, 0.026%; 1 homozygote.

Submissions (5):

Labcorp Genetics (formerly Invitae), Labcorp
Classification: Uncertain significance for Citrullinemia. Last evaluated: 2022-08-31. Review status: criteria provided, single submitter. Criteria: Invitae Variant Classification Sherloc (09022015). Collection method: clinical testing. Allele origin: germline.
Comment: This sequence change falls in intron 4 of the ASS1 gene. It does not directly change the encoded amino acid sequence of the ASS1 protein. It affects a nucleotide within the consensus splice site. This variant is present in population databases (rs368133957, gnomAD 0.03%). This variant has not been reported in the literature in individuals affected with ASS1-related conditions. ClinVar contains an entry for this variant (Variation ID: 365250). Variants that disrupt the consensus splice site are a relatively common cause of aberrant splicing (PMID: 17576681, 9536098). Algorithms developed to predict the effect of sequence changes on RNA splicing suggest that this variant is not likely to affect RNA splicing. In summary, the available evidence is currently insufficient to determine the role of this variant in disease. Therefore, it has been classified as a Variant of Uncertain Significance.

Ambry Genetics
Classification: Uncertain significance for Inborn genetic diseases. Last evaluated: 2022-05-04. Review status: criteria provided, single submitter. Criteria: Ambry Variant Classification Scheme 2023. Collection method: clinical testing. Allele origin: germline.
Comment: The c.174+4C>A intronic alteration consists of a C to A substitution 4 nucleotides after exon 4 (coding exon 2) of the ASS1 gene. Based on insufficient or conflicting evidence, the clinical significance of this alteration remains unclear.

GeneDx
Classification: Likely benign. Last evaluated: 2018-03-01. Review status: criteria provided, single submitter. Criteria: GeneDx Variant Classification (06012015). Collection method: clinical testing. Allele origin: germline. Affected: yes.
Comment: This variant is considered likely benign or benign based on one or more of the following criteria: it is a conservative change, it occurs at a poorly conserved position in the protein, it is predicted to be benign by multiple in silico algorithms, and/or has population frequency not consistent with disease.

Illumina Laboratory Services, Illumina
Classification: Uncertain significance for Citrullinemia type I. Last evaluated: 2018-01-13. Review status: criteria provided, single submitter. Criteria: ICSL Variant Classification Criteria 13 December 2019. Collection method: clinical testing. Allele origin: germline.

Natera, Inc.
Classification: Likely benign for Citrullinemia type I. Last evaluated: 2020-09-16. Review status: no assertion criteria provided. Collection method: clinical testing. Allele origin: germline. Not counted in ClinVar's aggregate classification.

Literature cited by the submitters: PubMed 17576681 (cited by Labcorp Genetics (formerly Invitae), Labcorp); PubMed 9536098 (cited by Labcorp Genetics (formerly Invitae), Labcorp).

NM_054012.4(ASS1):c.174+4C>A

Gene: ASS1 (argininosuccinate synthase 1; plus strand). Cytogenetic location: 9q34.11.
Variant type: single nucleotide variant.
Coding change: c.174+4C>A on transcript NM_054012.4 (MANE Select); 4 bases into the intron after coding-DNA position 174, C replaced by A.
Molecular consequence: intron variant.
Genome position (GRCh38, 1-based): chr9:130,454,377, C>A. VCF-style: chr9-130454377-C-A. GRCh37 (hg19) VCF-style: chr9-133329764-C-A.
Other names: c.174+4C>A (NM_000050.4).
Identifiers: ClinVar variation 365250 (VCV000365250.9), dbSNP rs368133957, ClinGen allele CA5283170.